The following is an entry in ClinVar:

ClinVar aggregate classification (germline): Uncertain significance (1 of 4 stars; one submission).

Submission:

Labcorp Genetics (formerly Invitae), Labcorp
Classification: Uncertain significance. Last evaluated: 2022-03-23. Review status: criteria provided, single submitter. Criteria: Invitae Variant Classification Sherloc (09022015). Collection method: clinical testing. Allele origin: germline.
Comment: In summary, the available evidence is currently insufficient to determine the role of this variant in disease. Therefore, it has been classified as a Variant of Uncertain Significance. Algorithms developed to predict the effect of missense changes on protein structure and function are either unavailable or do not agree on the potential impact of this missense change (SIFT: "Tolerated"; PolyPhen-2: "Possibly Damaging"; Align-GVGD: "Class C0"). This variant has not been reported in the literature in individuals affected with DARS2-related conditions. This variant is not present in population databases (gnomAD no frequency). This sequence change replaces glutamine, which is neutral and polar, with arginine, which is basic and polar, at codon 96 of the DARS2 protein (p.Gln96Arg).

NM_018122.5(DARS2):c.287A>G (p.Gln96Arg)

Gene: DARS2 (aspartyl-tRNA synthetase 2, mitochondrial; plus strand). Cytogenetic location: 1q25.1.
Variant type: single nucleotide variant.
Coding change: c.287A>G on transcript NM_018122.5 (MANE Select); coding-DNA position 287, A replaced by G.
Protein change: p.Gln96Arg; replaces glutamine 96 with arginine.
Molecular consequence: missense variant.
Genome position (GRCh38, 1-based): chr1:173,828,392, A>G. VCF-style: chr1-173828392-A-G. GRCh37 (hg19) VCF-style: chr1-173797530-A-G.
Other names: c.287A>G, p.Gln96Arg (NM_001365212.1, NM_001365213.2); short protein forms Q96R.
Identifiers: ClinVar variation 2114708 (VCV002114708.4), dbSNP rs2525839663, ClinGen allele CA343757095.